The following is an entry in ClinVar:

NM_001145026.2(PTPRQ):c.2789G>A (p.Gly930Asp)

Gene: PTPRQ (protein tyrosine phosphatase receptor type Q; plus strand). Cytogenetic location: 12q21.31.
Variant type: single nucleotide variant.
Coding change: c.2789G>A on transcript NM_001145026.2 (MANE Select); coding-DNA position 2789, G replaced by A.
Protein change: p.Gly930Asp; replaces glycine 930 with aspartic acid.
Molecular consequence: missense variant.
Genome position (GRCh38, 1-based): chr12:80,534,125, G>A. VCF-style: chr12-80534125-G-A. GRCh37 (hg19) VCF-style: chr12-80927904-G-A.
Other names: short protein forms G930D.
Identifiers: ClinVar variation 4077186 (VCV004077186.2).

ClinVar aggregate classification (germline): Uncertain significance. Review status: criteria provided, multiple submitters, no conflicts (2 of 4 stars). 2 submissions from 2 submitters: Uncertain significance (2). Last evaluated 2025-06-18.

Conditions:
PTPRQ-related disorder. Also called: PTPRQ-related condition.

gnomAD v4.1: 23 of 1,541,370 alleles (0.0015%); highest among the groups gnomAD compares: Admixed American, 0.002%; no homozygotes.

Submissions (2):

PreventionGenetics, part of Exact Sciences
Classification: Uncertain significance for PTPRQ-related condition. Last evaluated: 2025-06-18. Review status: criteria provided, single submitter. Criteria: ACMG Guidelines, 2015. Collection method: clinical testing. Allele origin: germline.
Comment: The PTPRQ c.2789G>A variant is predicted to result in the amino acid substitution p.Gly930Asp. To our knowledge, this variant has not been reported in the literature. This variant is reported in 0.0028% of alleles in individuals of European (Non-Finnish) descent in gnomAD. At this time, the clinical significance of this variant is uncertain due to the absence of conclusive functional and genetic evidence.

GeneDx
Classification: Uncertain significance. Last evaluated: 2025-02-25. Review status: criteria provided, single submitter. Criteria: GeneDx Variant Classification Process June 2021. Collection method: clinical testing. Allele origin: germline. Affected: yes.
Comment: In silico analysis supports that this missense variant has a deleterious effect on protein structure/function; Has not been previously published as pathogenic or benign to our knowledge